The following is an entry in ClinVar:

ClinVar aggregate classification (germline): Likely benign. Review status: criteria provided, single submitter (1 of 4 stars). 2 submissions from 2 submitters: Likely benign (1). 1 of the submissions does not count toward it. Last evaluated 2025-11-01.

Conditions:
MPDZ-related disorder. Also called: MPDZ-related condition.

Submissions (2):

Labcorp Genetics (formerly Invitae), Labcorp
Classification: Likely benign. Last evaluated: 2025-11-01. Review status: criteria provided, single submitter. Criteria: Invitae Variant Classification Sherloc (09022015). Collection method: clinical testing. Allele origin: germline.

PreventionGenetics, part of Exact Sciences
Classification: Likely benign for MPDZ-related condition. Last evaluated: 2024-04-09. Review status: no assertion criteria provided. Collection method: clinical testing. Allele origin: germline. Not counted in ClinVar's aggregate classification.
Comment: This variant is classified as likely benign based on ACMG/AMP sequence variant interpretation guidelines (Richards et al. 2015 PMID: 25741868, with internal and published modifications).

NM_001378778.1(MPDZ):c.1547-4T>C

Gene: MPDZ (multiple PDZ domain crumbs cell polarity complex component; minus strand). Cytogenetic location: 9p23.
Variant type: single nucleotide variant.
Coding change: c.1547-4T>C on transcript NM_001378778.1 (MANE Select); 4 bases into the intron before coding-DNA position 1547, T replaced by C.
Molecular consequence: intron variant.
Genome position (GRCh38, 1-based): chr9:13,196,234, A>G on the plus strand (T>C on the coding strand, the complement: MPDZ is on the minus strand). VCF-style: chr9-13196234-A-G. GRCh37 (hg19) VCF-style: chr9-13196233-A-G.
Other names: c.1547-4T>C (NM_001375425.1, NM_001375420.1, NM_001375419.1 and 14 more transcripts).
Identifiers: ClinVar variation 3051582 (VCV003051582.3), dbSNP rs2494708974, ClinGen allele CA2740095430.